The following is an entry in ClinVar:

NM_005422.4(TECTA):c.2827C>A (p.Leu943Met)

Genes: TBCEL-TECTA (TBCEL-TECTA readthrough; plus strand), TECTA (tectorin alpha; plus strand), LOC126861365 (P300/CBP strongly-dependent group 1 enhancer GRCh37_chr11:121000154-121001353; plus strand). Cytogenetic location: 11q23.3.
Variant type: single nucleotide variant.
Coding change: c.2827C>A on transcript NM_005422.4 (MANE Select); coding-DNA position 2827, C replaced by A.
Protein change: p.Leu943Met; replaces leucine 943 with methionine.
Molecular consequence: missense variant.
Genome position (GRCh38, 1-based): chr11:121,130,097, C>A. VCF-style: chr11-121130097-C-A. GRCh37 (hg19) VCF-style: chr11-121000806-C-A.
Other names: c.3784C>A, p.Leu1262Met (NM_001378761.1); short protein forms L943M, L1262M.
Identifiers: ClinVar variation 165358 (VCV000165358.23), dbSNP rs139158022, ClinGen allele CA178097.

ClinVar aggregate classification (germline): Conflicting classifications of pathogenicity. Review status: criteria provided, conflicting classifications (1 of 4 stars). 10 submissions from 9 submitters: Likely pathogenic (1); Uncertain significance (8); Likely benign (1). Last evaluated 2026-09-01.

Conditions:
TECTA-related disorder. Also called: TECTA-related condition.
Autosomal recessive nonsyndromic hearing loss 21. Identifiers: Orphanet 90636, MedGen C1863655, MONDO:0011351, OMIM 603629.
Autosomal dominant nonsyndromic hearing loss 12. Also called: DEAFNESS, AUTOSOMAL DOMINANT 8. Identifiers: Orphanet 90635, MedGen C1832187, MONDO:0011102, OMIM 601543.

Allele frequency attached by ClinVar (database versions not stated): gnomAD exomes 0.00019; gnomAD 0.00022 and 0.00027; ExAC 0.00026; ESP Exome Variant Server 0.00031; TOPMed 0.00038; 1000 Genomes Project 0.00060; 1000 Genomes Project 30x 0.00094.
gnomAD v4.1: 321 of 1,613,714 alleles (0.02%); highest among the groups gnomAD compares: Middle Eastern, 0.15%; no homozygotes.

Submissions (10):

CeGaT Center for Human Genetics Tuebingen
Classification: Uncertain significance. Last evaluated: 2026-09-01. Review status: criteria provided, single submitter. Criteria: CeGaT Center For Human Genetics Tuebingen Variant Classification Criteria Version 2. Collection method: clinical testing. Allele origin: germline. Affected: yes. Observed: 1 variant allele.
Comment: TECTA: PM2

PreventionGenetics, part of Exact Sciences
Classification: Uncertain significance for TECTA-related condition. Last evaluated: 2026-05-22. Review status: criteria provided, single submitter. Criteria: ACMG Guidelines, 2015. Collection method: clinical testing. Allele origin: germline.
Comment: The TECTA c.2827C>A variant is predicted to result in the amino acid substitution p.Leu943Met. This variant was previously reported in a cohort of individuals with hearing loss; however, the authors speculated that it could be benign (Sommen et al. 2016. PubMed ID: 27068579). This variant is reported in 0.029% of alleles in individuals of South Asian descent in gnomAD. At this time, the clinical significance of this variant is uncertain due to the absence of conclusive functional and genetic evidence.

Labcorp Genetics (formerly Invitae), Labcorp
Classification: Likely benign. Last evaluated: 2026-01-12. Review status: criteria provided, single submitter. Criteria: Invitae Variant Classification Sherloc (09022015). Collection method: clinical testing. Allele origin: germline.

GeneDx
Classification: Uncertain significance. Last evaluated: 2025-01-27. Review status: criteria provided, single submitter. Criteria: GeneDx Variant Classification Process June 2021. Collection method: clinical testing. Allele origin: germline. Affected: yes.
Comment: Has been previously reported as benign (PMID: 27068579); In silico analysis indicates that this missense variant does not alter protein structure/function; This variant is associated with the following publications: (PMID: 31554319, 9590290, 21520338, 27068579)

Laboratory of Prof. Karen Avraham, Tel Aviv University
Classification: Likely pathogenic for Autosomal recessive nonsyndromic hearing loss 21. Last evaluated: 2024-12-12. Review status: criteria provided, single submitter. Criteria: ACMG Guidelines, 2015. Collection method: research. Allele origin: germline. Inheritance: Autosomal recessive inheritance. Affected: yes. Observed: 1 compound heterozygote.
Comment: Two additional affected cases were reported to ClinVar according to submissions SCV001774195.3 and SCV005191518.1.

Blueprint Genetics
Classification: Uncertain significance. Last evaluated: 2024-11-14. Review status: criteria provided, single submitter. Criteria: ACMG Guidelines, 2015. Collection method: clinical testing. Allele origin: germline.

Illumina Laboratory Services, Illumina
Classification: Uncertain significance for Autosomal dominant nonsyndromic hearing loss 12. Last evaluated: 2018-01-12. Review status: criteria provided, single submitter. Criteria: ICSL Variant Classification Criteria 13 December 2019. Collection method: clinical testing. Allele origin: germline.

Illumina Laboratory Services, Illumina
Classification: Uncertain significance for Autosomal recessive nonsyndromic hearing loss 21. Last evaluated: 2018-01-12. Review status: criteria provided, single submitter. Criteria: ICSL Variant Classification Criteria 13 December 2019. Collection method: clinical testing. Allele origin: germline.

Laboratory for Molecular Medicine, Mass General Brigham Personalized Medicine
Classification: Uncertain significance. Last evaluated: 2017-06-20. Review status: criteria provided, single submitter. Criteria: LMM Criteria. Collection method: clinical testing. Allele origin: germline. Observed: 2 variant alleles.
Comment: The p.Leu943Met variant in TECTA has been previously reported in at least 2 Cauc asian individuals with hearing loss (Sommen 2016, LMM data). It has also been re ported in ClinVar (Variation ID 165358) as of uncertain significance. It has bee n identified in 31/126658 European chromosomes by the Genome Aggregation Databas e (gnomAD; dbSNP rs139158022). Although this variant has been seen in the general population, its frequency is not high enoug h to rule out a pathogenic role. Computational prediction tools and conservation analyses suggest that the variant may not impact the protein, though this infor mation is not predictive enough to rule out pathogenicity. Of note, the leucine (Leu) at position 943 is conserved in mammals but several fish species carry a m ethionine (Met) at this position, raising the possibility this change may be tol erated. In summary, the clinical significance of the p.Leu943Met variant is unce rtain.

Breakthrough Genomics
Classification: Uncertain significance. Review status: criteria provided, single submitter. Criteria: ACMG Guidelines, 2015. Collection method: not provided. Allele origin: germline. Inheritance: Autosomal recessive inheritance. Affected: yes.

Literature cited by the submitters: PubMed 27068579 (cited by Laboratory for Molecular Medicine, Mass General Brigham Personalized Medicine).